The following is an entry in ClinVar:

ClinVar aggregate classification (germline): Pathogenic (1 of 4 stars; one submission).

Conditions:
Hereditary breast ovarian cancer syndrome. Also called: Hereditary breast and ovarian cancer; Breast and ovarian cancer; BRCA1- and BRCA2-Associated Hereditary Breast and Ovarian Cancer; Hereditary breast and/or ovarian cancer syndrome; Hereditary breast and ovarian cancer syndrome; Hereditary breast and ovarian cancer syndrome (HBOC). Identifiers: Orphanet 145, MedGen C0677776, MeSH D061325, MONDO:0003582. Disease mechanism: loss of function.

Submission:

Labcorp Genetics (formerly Invitae), Labcorp
Classification: Pathogenic for Hereditary breast ovarian cancer syndrome. Last evaluated: 2021-12-11. Review status: criteria provided, single submitter. Criteria: Invitae Variant Classification Sherloc (09022015). Collection method: clinical testing. Allele origin: germline.
Comment: This variant is a gross deletion of the genomic region encompassing exon(s) 20 of the BRCA1 gene. This deletion is out-of-frame, and is expected to create a premature termination codon and result in an absent or disrupted protein product. Loss-of-function variants in BRCA1 are known to be pathogenic (PMID: 20104584). This variant has not been reported in the literature in individuals affected with BRCA1-related conditions. For these reasons, this variant has been classified as Pathogenic.

Literature cited by the submitters: PubMed 20104584.

NC_000017.10:g.(?_41203060)_(41203154_?)del

Gene: BRCA1 (BRCA1 DNA repair associated; minus strand). Cytogenetic location: 17q21.31.
Variant type: Deletion.
Identifiers: ClinVar variation 1076464 (VCV001076464.2).